The following is an entry in ClinVar:

NM_001034853.2(RPGR):c.1377_1378del (p.Leu460fs)

Gene: RPGR (retinitis pigmentosa GTPase regulator; minus strand). Cytogenetic location: Xp11.4.
Variant type: Deletion.
Coding change: c.1377_1378del on transcript NM_001034853.2 (MANE Select); coding-DNA positions 1377 to 1378, 2 bases deleted (CT; older notation c.1377_1378delCT).
Protein change: p.Leu460fs; shifts the reading frame from leucine 460.
Molecular consequence: frameshift variant. On other transcripts: non-coding transcript variant (6).
Genome position (GRCh38, 1-based): chrX:38,297,320-38,297,321, AG deleted on the plus strand (CT on the coding strand, the reverse complement: RPGR is on the minus strand); deleting any 2 consecutive bases within chrX:38,297,320-38,297,322 gives the same sequence; the c. name uses the placement nearest the transcript's 3' end. VCF-style (leftmost placement, unchanged base first): chrX-38297319-AAG-A. GRCh37 (hg19) VCF-style: chrX-38156572-AAG-A.
Other names: NM_001034853.2(RPGR):c.1377_1378del; p.Leu460fs; c.1377_1378del, p.Leu460fs (NM_000328.3, NM_001367247.1); c.1374_1375del, p.Leu459fs (NM_001367245.1, NM_001367249.1, NM_001367250.1); c.1191_1192del, p.Leu398fs (NM_001367246.1, NM_001367251.1); c.1407_1408del, p.Leu470fs (NM_001367248.1); short protein forms L398fs, L459fs, L460fs, L470fs.
Identifiers: ClinVar variation 98739 (VCV000098739.13), dbSNP rs62653029, ClinGen allele CA226358.

ClinVar aggregate classification (germline): Pathogenic. Review status: reviewed by expert panel (3 of 4 stars). 7 submissions from 7 submitters: Pathogenic (1). 6 of the submissions do not count toward it. Last evaluated 2026-01-25.

Conditions:
RPGR-related retinopathy. Also called: RPGR retinopathy. Identifiers: MedGen CN305589, MONDO:0100437.
X-linked cone-rod dystrophy 1 (CORDX1). Identifiers: Orphanet 1872, MedGen C1844776, MONDO:0010566, OMIM 304020.
RPGR-related disorder. Also called: RPGR-related condition.
Primary ciliary dyskinesia. Also called: Ciliary dyskinesia. Identifiers: Orphanet 244, MedGen C0008780, MONDO:0016575, HP:0012265.
Retinal disorder. Also called: Retinopathy; Retinopathies; Retinal Diseases; Retinal disorders. Identifiers: MedGen C0035309, MONDO:0005283, HP:0000488.

Submissions (7):

ClinGen X-linked Inherited Retinal Disease Variant Curation Expert Panel, ClinGen
Classification: Pathogenic for RPGR-related retinopathy. Last evaluated: 2026-01-25. Review status: reviewed by expert panel. Criteria: ClinGen X LinkedIRD ACMG Specifications RPGR V1.0.0. Collection method: curation. Allele origin: germline. Inheritance: X-linked inheritance.
Comment: NM_001034853.2(RPGR):c.1377_1378del (p.Leu460IlefsTer2) is a frameshift variant due to a two-nucleotide deletion that introduces a premature stop codon in exon 11 of 15 that is predicted to trigger nonsense-mediated decay (PVS1). This variant is present in gnomAD v.4.1.0 at a frequency of 0.000002234 among hemizygous individuals, with 1 variant allele / 895,258 total alleles, which is higher than the ClinGen X-linked IRD VCEP PM2_Supporting threshold of <0.0000005 and fails to meet PM2_Supporting. This variant has been reported in at least 2 apparently unrelated probands meeting one of the PS4 requirements of a male with some functional vision impairment by age 30 years and/or decreased or absent electroretinogram responses, or a female with functional visual abnormality and documentation of a male relative affected with retinitis pigmentosa (PMID: 34985506, PMID: 31953110, PMID: 10480356, PS4_Supporting). The variant has been reported to segregate with retinal dystrophy through at least 3 affected meioses from 1 family (PP1_Moderate; PMID: 31953110). In summary, this variant is classified as pathogenic for RPGR-related retinopathy based on the ClinGen X-linked Inherited Retinal Disease Expert Panel Specifications to the ACMG/AMP Variant Interpretation Guidelines for RPGR Version 1.0.0; PVS1, PP4, and PP1_Moderate.

Genetics Laboratory, Great Ormond Street Hospital NHS Foundation Trust, North Thames Genomic Laboratory Hub
Classification: Pathogenic for Retinal disorders. Last evaluated: 2026-04-02. Review status: criteria provided, single submitter. Criteria: ACGS Best Practice Guidelines for Variant Classification in Rare Disease 2024 v1.2. Collection method: clinical testing. Allele origin: germline. Affected: yes. Not counted in ClinVar's aggregate classification.
Comment: PS4_moderate, PM2_moderate, PVS1_very-strong

Labcorp Genetics (formerly Invitae), Labcorp
Classification: Pathogenic for Primary ciliary dyskinesia. Last evaluated: 2025-03-24. Review status: criteria provided, single submitter. Criteria: Invitae Variant Classification Sherloc (09022015). Collection method: clinical testing. Allele origin: germline. Not counted in ClinVar's aggregate classification.
Comment: This sequence change creates a premature translational stop signal (p.Leu460Ilefs*2) in the RPGR gene. It is expected to result in an absent or disrupted protein product. Loss-of-function variants in RPGR are known to be pathogenic (PMID: 16055928, 16969763). This variant is not present in population databases (gnomAD no frequency). This premature translational stop signal has been observed in individual(s) with retinitis pigmentosa (PMID: 10480356, 31953110). This variant is also known as c.1435_1436del. ClinVar contains an entry for this variant (Variation ID: 98739). Algorithms developed to predict the effect of sequence changes on RNA splicing suggest that this variant may disrupt the consensus splice site. For these reasons, this variant has been classified as Pathogenic.

Baylor Genetics
Classification: Pathogenic for X-linked cone-rod dystrophy 1. Last evaluated: 2024-03-24. Review status: criteria provided, single submitter. Criteria: ACMG Guidelines, 2015. Collection method: clinical testing. Allele origin: unknown. Not counted in ClinVar's aggregate classification.

Blueprint Genetics
Classification: Pathogenic for RPGR-related disorders. Last evaluated: 2024-02-09. Review status: criteria provided, single submitter. Criteria: ACMG Guidelines, 2015. Collection method: clinical testing. Allele origin: germline. Affected: yes. Observed: 5 variant alleles. Not counted in ClinVar's aggregate classification.

PreventionGenetics, part of Exact Sciences
Classification: Likely pathogenic. Last evaluated: 2020-02-19. Review status: criteria provided, single submitter. Criteria: ACMG Guidelines, 2015. Collection method: clinical testing. Allele origin: germline. Not counted in ClinVar's aggregate classification.

Retina International
No classification provided. Review status: no classification provided. Collection method: not provided. Allele origin: not provided. Not counted in ClinVar's aggregate classification.

Literature cited by the submitters: PubMed 16055928 (cited by Labcorp Genetics (formerly Invitae), Labcorp); PubMed 16969763 (cited by Labcorp Genetics (formerly Invitae), Labcorp); PubMed 10480356 (cited by Labcorp Genetics (formerly Invitae), Labcorp); PubMed 31953110 (cited by Labcorp Genetics (formerly Invitae), Labcorp).